The following is an entry in ClinVar:

NM_015557.3(CHD5):c.3898G>A (p.Gly1300Ser)

Gene: CHD5 (chromodomain helicase DNA binding protein 5; minus strand). Cytogenetic location: 1p36.31.
Variant type: single nucleotide variant.
Coding change: c.3898G>A on transcript NM_015557.3 (MANE Select); coding-DNA position 3898, G replaced by A.
Protein change: p.Gly1300Ser; replaces glycine 1300 with serine.
Molecular consequence: missense variant.
Genome position (GRCh38, 1-based): chr1:6,128,051, C>T on the plus strand (G>A on the coding strand, the complement: CHD5 is on the minus strand). VCF-style: chr1-6128051-C-T. GRCh37 (hg19) VCF-style: chr1-6188111-C-T.
Other names: short protein forms G1300S.
Identifiers: ClinVar variation 4614656 (VCV004614656.1).

ClinVar aggregate classification (germline): Uncertain significance (1 of 4 stars; one submission).

Conditions:
Inborn genetic diseases. Identifiers: MedGen C0950123, MeSH D030342.

gnomAD v4.1: 2 of 1,605,248 alleles (0.00012%); highest among the groups gnomAD compares: Non-Finnish European, 0.00017%; no homozygotes.

Submission:

Ambry Genetics
Classification: Uncertain significance for Inborn genetic diseases. Last evaluated: 2025-09-22. Review status: criteria provided, single submitter. Criteria: Ambry Variant Classification Scheme 2023. Collection method: clinical testing. Allele origin: germline.
Comment: The c.3898G>A (p.G1300S) alteration is located in exon 25 (coding exon 25) of the CHD5 gene. This alteration results from a G to A substitution at nucleotide position 3898, causing the glycine (G) at amino acid position 1300 to be replaced by a serine (S). Based on data from gnomAD, the A allele has an overall frequency of <0.001% (0/236636) total alleles studied. The highest observed frequency was <0.001% (/) of alleles. Based on insufficient or conflicting evidence, the clinical significance of this alteration remains unclear.